The following is an entry in ClinVar:

ClinVar aggregate classification (germline): other (0 of 4 stars; one submission).

Conditions:
Familial colorectal cancer. Identifiers: MedGen CN280943, MONDO:0023113. Disease mechanism: loss of function.

Allele frequency attached by ClinVar (database versions not stated): TOPMed 0.22395; 1000 Genomes Project 0.25339; 1000 Genomes Project 30x 0.25468; gnomAD 0.21947 and 0.22391.
gnomAD v4.1: 33,232 of 152,090 alleles (22%); highest among the groups gnomAD compares: African/African-American, 43%; 4,945 homozygotes.

Submission:

Systems Biology Platform Zhejiang California International NanoSystems Institute
Classification: other for Familial colorectal cancer. Review status: no assertion criteria provided. Collection method: not provided. Allele origin: unknown.
ClinVar note: Converted during submission from cancer to other.

NM_000038.6(APC):c.835-1265A>G

Gene: APC (APC regulator of WNT signaling pathway; plus strand). Cytogenetic location: 5q22.2.
Variant type: single nucleotide variant.
Coding change: c.835-1265A>G on transcript NM_000038.6 (MANE Select); 1265 bases into the intron before coding-DNA position 835, A replaced by G.
Molecular consequence: intron variant.
Genome position (GRCh38, 1-based): chr5:112,814,230, A>G. VCF-style: chr5-112814230-A-G. GRCh37 (hg19) VCF-style: chr5-112149927-A-G.
Other names: c.835-1265A>G (NM_001354895.2, NM_001127510.3, NM_001354896.2 and 1 more transcripts); c.865-1265A>G (NM_001354897.2, NM_001354902.2); c.781-1265A>G (NM_001127511.3); c.760-1265A>G (NM_001354898.2, NM_001354904.2); c.-15-1265A>G (NM_001354906.2); c.751-1265A>G (NM_001354899.2); c.658-1265A>G (NM_001354900.2, NM_001354901.2, NM_001354905.2).
Identifiers: ClinVar variation 83091 (VCV000083091.2), dbSNP rs2707761, ClinGen allele CA015076.